The following is an entry in ClinVar:

ClinVar aggregate classification (germline): Uncertain significance (1 of 4 stars; one submission).

Conditions:
Neuroblastoma, susceptibility to, 3. Also called: ALK-Related Neuroblastic Tumor Susceptibility. Identifiers: Orphanet 635, MedGen C2751681, MONDO:0013083, OMIM 613014.

Submission:

Labcorp Genetics (formerly Invitae), Labcorp
Classification: Uncertain significance for Neuroblastoma, susceptibility to, 3. Last evaluated: 2025-11-22. Review status: criteria provided, single submitter. Criteria: Invitae Variant Classification Sherloc (09022015). Collection method: clinical testing. Allele origin: germline.
Comment: This sequence change affects codon 1150 of the ALK mRNA. It is a 'silent' change, meaning that it does not change the encoded amino acid sequence of the ALK protein. This variant also falls at the last nucleotide of exon 21, which is part of the consensus splice site for this exon. This variant is not present in population databases (gnomAD no frequency). This variant has not been reported in the literature in individuals affected with ALK-related conditions. ClinVar contains an entry for this variant (Variation ID: 847382). Variants that disrupt the consensus splice site are a relatively common cause of aberrant splicing (PMID: 17576681, 9536098). Algorithms developed to predict the effect of sequence changes on RNA splicing suggest that this variant is not likely to affect RNA splicing. In summary, the available evidence is currently insufficient to determine the role of this variant in disease. Therefore, it has been classified as a Variant of Uncertain Significance.

Literature cited by the submitters: PubMed 17576681; PubMed 9536098.

NM_004304.5(ALK):c.3450G>A (p.Lys1150=)

Gene: ALK (ALK receptor tyrosine kinase; minus strand). Cytogenetic location: 2p23.2.
Variant type: single nucleotide variant.
Coding change: c.3450G>A on transcript NM_004304.5 (MANE Select); coding-DNA position 3450, G replaced by A.
Protein change: p.Lys1150=; no amino-acid change (lysine 1150 retained).
Molecular consequence: synonymous variant.
Genome position (GRCh38, 1-based): chr2:29,222,517, C>T on the plus strand (G>A on the coding strand, the complement: ALK is on the minus strand). VCF-style: chr2-29222517-C-T. GRCh37 (hg19) VCF-style: chr2-29445383-C-T.
Other names: c.246G>A, p.Lys82= (NM_001353765.2).
Identifiers: ClinVar variation 847382 (VCV000847382.7), dbSNP rs1558622960, ClinGen allele CA425434603.
Genomic context (GRCh38, chr2:29,222,517, plus strand): 5'-GAACTGCAGCCTACAGAGTCCGCAAGCCAAGGGCAGGCTCAAGAGTGAGCCACTTCTTAC[C>T]TTCACAGCCACTTGCAGGGGGCTTGGGTCGTTGGGCATTCCGGACACCTGGCCTTCATAC-3'
Protein context (NP_004295.2, residues 1140-1160): NDPSPLQVAV[Lys1150=]TLPEVCSEQD